The following is an entry in ClinVar:

ClinVar aggregate classification (germline): Likely benign (0 of 4 stars; one submission).

Conditions:
ACADS-related disorder. Also called: ACADS-related condition.

gnomAD v4.1: 4 of 1,556,266 alleles (0.00026%); highest among the groups gnomAD compares: East Asian, 0.0024%; no homozygotes.

Submission:

PreventionGenetics, part of Exact Sciences
Classification: Likely benign for ACADS-related condition. Last evaluated: 2023-10-18. Review status: no assertion criteria provided. Collection method: clinical testing. Allele origin: germline.
Comment: This variant is classified as likely benign based on ACMG/AMP sequence variant interpretation guidelines (Richards et al. 2015 PMID: 25741868, with internal and published modifications).

NM_000017.4(ACADS):c.22C>A (p.Arg8=)

Gene: ACADS (acyl-CoA dehydrogenase short chain; plus strand). Cytogenetic location: 12q24.31.
Variant type: single nucleotide variant.
Coding change: c.22C>A on transcript NM_000017.4 (MANE Select); coding-DNA position 22, C replaced by A.
Protein change: p.Arg8=; no amino-acid change (arginine 8 retained).
Molecular consequence: synonymous variant.
Genome position (GRCh38, 1-based): chr12:120,725,907, C>A. VCF-style: chr12-120725907-C-A. GRCh37 (hg19) VCF-style: chr12-121163710-C-A.
Other names: c.22C>A, p.Arg8= (NM_001302554.2).
Identifiers: ClinVar variation 3051502 (VCV003051502.2), dbSNP rs777704501, ClinGen allele CA482102952.